The following is an entry in ClinVar:

NM_007194.4(CHEK2):c.1398del (p.Leu466fs)

Gene: CHEK2 (checkpoint kinase 2; minus strand). Cytogenetic location: 22q12.1.
Variant type: Deletion.
Coding change: c.1398del on transcript NM_007194.4 (MANE Select); coding-DNA position 1398, one base deleted (G; older notation c.1398delG).
Protein change: p.Leu466fs; shifts the reading frame from leucine 466.
Molecular consequence: frameshift variant.
Genome position (GRCh38, 1-based): chr22:28,694,095, C deleted on the plus strand (G on the coding strand, the reverse complement: CHEK2 is on the minus strand). VCF-style (leftmost placement, unchanged base first): chr22-28694094-AC-A. GRCh37 (hg19) VCF-style: chr22-29090082-AC-A.
Other names: c.1527delG, p.Leu509Phefs (NM_001005735.3); c.735delG, p.Leu245Phefs (NM_001257387.3); c.1197delG, p.Leu399Phefs (NM_001349956.3); c.1311delG, p.Leu437Phefs (NM_145862.3); short protein forms L466fs, L245fs, L399fs, L437fs, L509fs.
Identifiers: ClinVar variation 2128276 (VCV002128276.4), dbSNP rs2517788128, ClinGen allele CA2580099384.
Genomic context (GRCh38, chr22:28,694,094, plus strand): 5'-GAAGCCACGGGTGTCTTAAGGCTTCTTCTGTCGTAAAACGTGCCTTTGGATCCACTACCA[AC>A]AACTTCTTGACAAGGTCCAGAGCTAAAGCAACAATTGGGCAAATCACAGTGAAAAGGATA-3'

ClinVar aggregate classification (germline): Pathogenic (1 of 4 stars; one submission).

Conditions:
Familial cancer of breast. Also called: hereditary breast carcinoma; BREAST CANCER, FAMILIAL; Hereditary breast cancer. Identifiers: Orphanet 227535, MedGen C0346153, MONDO:0016419, OMIM 114480. Disease mechanism: loss of function.

Submission:

Labcorp Genetics (formerly Invitae), Labcorp
Classification: Pathogenic for Familial cancer of breast. Last evaluated: 2022-08-28. Review status: criteria provided, single submitter. Criteria: Invitae Variant Classification Sherloc (09022015). Collection method: clinical testing. Allele origin: germline.
Comment: For these reasons, this variant has been classified as Pathogenic. This variant has not been reported in the literature in individuals affected with CHEK2-related conditions. This variant is not present in population databases (gnomAD no frequency). This sequence change creates a premature translational stop signal (p.Leu466Phefs*3) in the CHEK2 gene. It is expected to result in an absent or disrupted protein product. Loss-of-function variants in CHEK2 are known to be pathogenic (PMID: 21876083, 24713400).

Literature cited by the submitters: PubMed 21876083; PubMed 24713400.